The following is an entry in ClinVar:

ClinVar aggregate classification (germline): Conflicting classifications of pathogenicity. Review status: criteria provided, conflicting classifications (1 of 4 stars). 2 submissions from 2 submitters: Uncertain significance (1); Likely benign (1). Last evaluated 2025-02-23.

Allele frequency attached by ClinVar (database versions not stated): TOPMed 0.00001; gnomAD exomes 0.00002; ExAC 0.00005.
gnomAD v4.1: 39 of 1,571,776 alleles (0.0025%); highest among the groups gnomAD compares: Admixed American, 0.017%; no homozygotes.

Submissions (2):

Labcorp Genetics (formerly Invitae), Labcorp
Classification: Uncertain significance. Last evaluated: 2025-02-23. Review status: criteria provided, single submitter. Criteria: Invitae Variant Classification Sherloc (09022015). Collection method: clinical testing. Allele origin: germline.
Comment: This sequence change replaces arginine, which is basic and polar, with glutamine, which is neutral and polar, at codon 259 of the TNFRSF6B protein (p.Arg259Gln). This variant is present in population databases (rs764026145, gnomAD 0.04%). This variant has not been reported in the literature in individuals affected with TNFRSF6B-related conditions. ClinVar contains an entry for this variant (Variation ID: 2200379). An algorithm developed to predict the effect of missense changes on protein structure and function outputs the following: PolyPhen-2: "Benign". The glutamine amino acid residue is found in multiple mammalian species, which suggests that this missense change does not adversely affect protein function. In summary, the available evidence is currently insufficient to determine the role of this variant in disease. Therefore, it has been classified as a Variant of Uncertain Significance.

Ambry Genetics
Classification: Likely benign. Last evaluated: 2023-04-19. Review status: criteria provided, single submitter. Criteria: Ambry Variant Classification Scheme 2023. Collection method: clinical testing. Allele origin: germline.

NM_003823.4(TNFRSF6B):c.776G>A (p.Arg259Gln)

Genes: RTEL1-TNFRSF6B (RTEL1-TNFRSF6B readthrough (NMD candidate); plus strand), TNFRSF6B (TNF receptor superfamily member 6b; plus strand). Cytogenetic location: 20q13.33.
Variant type: single nucleotide variant.
Coding change: c.776G>A on transcript NM_003823.4 (MANE Select); coding-DNA position 776, G replaced by A.
Protein change: p.Arg259Gln; replaces arginine 259 with glutamine.
Molecular consequence: missense variant. On other transcripts: non-coding transcript variant (1).
Genome position (GRCh38, 1-based): chr20:63,698,436, G>A. VCF-style: chr20-63698436-G-A. GRCh37 (hg19) VCF-style: chr20-62329789-G-A.
Other names: short protein forms R259Q.
Identifiers: ClinVar variation 2200379 (VCV002200379.6), dbSNP rs764026145, ClinGen allele CA9966606.